The following is an entry in ClinVar:

NM_206933.4(USH2A):c.14876G>T (p.Gly4959Val)

Gene: USH2A (usherin; minus strand). Cytogenetic location: 1q41.
Variant type: single nucleotide variant.
Coding change: c.14876G>T on transcript NM_206933.4 (MANE Select); coding-DNA position 14876, G replaced by T.
Protein change: p.Gly4959Val; replaces glycine 4959 with valine.
Molecular consequence: missense variant.
Genome position (GRCh38, 1-based): chr1:215,640,650, C>A on the plus strand (G>T on the coding strand, the complement: USH2A is on the minus strand). VCF-style: chr1-215640650-C-A. GRCh37 (hg19) VCF-style: chr1-215813992-C-A.
Other names: short protein forms G4959V.
Identifiers: ClinVar variation 5003721 (VCV005003721.1).

ClinVar aggregate classification (germline): Uncertain significance (1 of 4 stars; one submission).

Conditions:
USH2A-related disorder. Also called: USH2A-related disorders; USH2A-related condition. Identifiers: MedGen CN239332.

Submission:

Myriad Genetics, Inc.
Classification: Uncertain significance for USH2A-related disorder. Last evaluated: 2025-11-18. Review status: criteria provided, single submitter. Criteria: Myriad Autosomal Dominant, Autosomal Recessive and X-Linked Classification Criteria (2023). Collection method: clinical testing. Allele origin: unknown.
Comment: NM_206933.2(USH2A):c.14876G>T(G4959V) is a missense variant classified as a variant of uncertain significance in the context of USH2A-related disorders. G4959V has been observed in a case with relevant disease (PMID: 32188678, 31054281). Relevant functional assessments of this variant are not available in the literature. G4959V has not been observed in referenced population frequency databases. In summary, there is insufficient evidence to classify NM_206933.2(USH2A):c.14876G>T(G4959V) as pathogenic or benign. Please note: this variant was assessed in the context of healthy population screening.

Literature cited by the submitters: PubMed 31054281; PubMed 32188678.